The following is an entry in ClinVar:

NC_000004.11:g.(?_107151500)_(107154827_?)del

Gene: TBCK (TBC1 domain containing kinase; minus strand). Cytogenetic location: 4q24.
Variant type: Deletion.
Identifiers: ClinVar variation 1419467 (VCV001419467.5).

ClinVar aggregate classification (germline): Pathogenic (1 of 4 stars; one submission).

Submission:

Labcorp Genetics (formerly Invitae), Labcorp
Classification: Pathogenic. Last evaluated: 2024-01-10. Review status: criteria provided, single submitter. Criteria: Invitae Variant Classification Sherloc (09022015). Collection method: clinical testing. Allele origin: germline.
Comment: This variant is a gross deletion of the genomic region encompassing exon(s) 16-19 of the TBCK gene. This deletion is out-of-frame, and is expected to create a premature termination codon and result in an absent or disrupted protein product. Loss-of-function variants in TBCK are known to be pathogenic (PMID: 27040692, 30103036). This variant has not been reported in the literature in individuals affected with TBCK-related conditions. For these reasons, this variant has been classified as Pathogenic.

Literature cited by the submitters: PubMed 27040692; PubMed 30103036.